The following is an entry in ClinVar:

NM_000274.4(OAT):c.1003G>T (p.Ala335Ser)

Gene: OAT (ornithine aminotransferase; minus strand). Cytogenetic location: 10q26.13.
Variant type: single nucleotide variant.
Coding change: c.1003G>T on transcript NM_000274.4 (MANE Select); coding-DNA position 1003, G replaced by T.
Protein change: p.Ala335Ser; replaces alanine 335 with serine.
Molecular consequence: missense variant.
Genome position (GRCh38, 1-based): chr10:124,401,737, C>A on the plus strand (G>T on the coding strand, the complement: OAT is on the minus strand). VCF-style: chr10-124401737-C-A. GRCh37 (hg19) VCF-style: chr10-126090306-C-A.
Other names: c.589G>T, p.Ala197Ser (NM_001171814.2); c.1003G>T, p.Ala335Ser (NM_001322965.2, NM_001322966.2, NM_001322967.2 and 3 more transcripts); c.682G>T, p.Ala228Ser (NM_001322971.2); c.403G>T, p.Ala135Ser (NM_001322974.2); short protein forms A335S, A135S, A197S, A228S.
Identifiers: ClinVar variation 1038480 (VCV001038480.8), dbSNP rs751075605, ClinGen allele CA378633877.

ClinVar aggregate classification (germline): Uncertain significance (1 of 4 stars; one submission).

Conditions:
Ornithine aminotransferase deficiency (GACR). Also called: OAT DEFICIENCY; OKT DEFICIENCY; Ornithine ketoacid aminotransferase deficiency; Gyrate atrophy; Gyrate atrophy of choroid and retina; Girate atrophy of the retina. Identifiers: Orphanet 414, MedGen C0018425, MONDO:0009796, OMIM 258870.

Submission:

Labcorp Genetics (formerly Invitae), Labcorp
Classification: Uncertain significance for Ornithine aminotransferase deficiency. Last evaluated: 2022-06-27. Review status: criteria provided, single submitter. Criteria: Invitae Variant Classification Sherloc (09022015). Collection method: clinical testing. Allele origin: germline.
Comment: In summary, the available evidence is currently insufficient to determine the role of this variant in disease. Therefore, it has been classified as a Variant of Uncertain Significance. Algorithms developed to predict the effect of missense changes on protein structure and function are either unavailable or do not agree on the potential impact of this missense change (SIFT: "Deleterious"; PolyPhen-2: "Possibly Damaging"; Align-GVGD: "Class C0"). ClinVar contains an entry for this variant (Variation ID: 1038480). This variant has not been reported in the literature in individuals affected with OAT-related conditions. This variant is not present in population databases (gnomAD no frequency). This sequence change replaces alanine, which is neutral and non-polar, with serine, which is neutral and polar, at codon 335 of the OAT protein (p.Ala335Ser).